The following is an entry in ClinVar:

ClinVar aggregate classification (germline): Uncertain significance (1 of 4 stars; one submission).

Conditions:
Megaconial type congenital muscular dystrophy (MDCMC). Also called: CHKB-Related Muscular Dystrophy; MUSCULAR DYSTROPHY, CONGENITAL, WITH MITOCHONDRIAL STRUCTURAL ABNORMALITIES; CHKB-Related Muscle Diseases. Identifiers: Orphanet 280671, MedGen C1865233, MONDO:0011246, OMIM 602541.

Allele frequency attached by ClinVar (database versions not stated): gnomAD exomes 0.00001 and 0.00003; ExAC 0.00003; gnomAD 0.00004; TOPMed 0.00005.
gnomAD v4.1: 27 of 1,613,542 alleles (0.0017%); highest among the groups gnomAD compares: Non-Finnish European, 0.0023%; no homozygotes.

Submission:

Labcorp Genetics (formerly Invitae), Labcorp
Classification: Uncertain significance for Megaconial type congenital muscular dystrophy. Last evaluated: 2022-02-13. Review status: criteria provided, single submitter. Criteria: Invitae Variant Classification Sherloc (09022015). Collection method: clinical testing. Allele origin: germline.
Comment: This sequence change replaces valine, which is neutral and non-polar, with leucine, which is neutral and non-polar, at codon 340 of the CHKB protein (p.Val340Leu). This variant is present in population databases (rs756893592, gnomAD 0.006%). This variant has not been reported in the literature in individuals affected with CHKB-related conditions. ClinVar contains an entry for this variant (Variation ID: 1036567). Algorithms developed to predict the effect of missense changes on protein structure and function output the following: SIFT: "Tolerated"; PolyPhen-2: "Benign"; Align-GVGD: "Class C0". The leucine amino acid residue is found in multiple mammalian species, which suggests that this missense change does not adversely affect protein function. In summary, the available evidence is currently insufficient to determine the role of this variant in disease. Therefore, it has been classified as a Variant of Uncertain Significance.

NM_005198.5(CHKB):c.1018G>C (p.Val340Leu)

Genes: CHKB-CPT1B (CHKB-CPT1B readthrough (NMD candidate); minus strand), CHKB (choline kinase beta; minus strand). Cytogenetic location: 22q13.33.
Variant type: single nucleotide variant.
Coding change: c.1018G>C on transcript NM_005198.5 (MANE Select); coding-DNA position 1018, G replaced by C.
Protein change: p.Val340Leu; replaces valine 340 with leucine.
Molecular consequence: missense variant. On other transcripts: non-coding transcript variant (1).
Genome position (GRCh38, 1-based): chr22:50,579,740, C>G on the plus strand (G>C on the coding strand, the complement: CHKB is on the minus strand). VCF-style: chr22-50579740-C-G. GRCh37 (hg19) VCF-style: chr22-51018169-C-G.
Other names: short protein forms V340L.
Identifiers: ClinVar variation 1036567 (VCV001036567.7), dbSNP rs756893592, ClinGen allele CA10323542.
Genomic context (GRCh38, chr22:50,579,740, plus strand): 5'-CTCTTTCCTCTGCTCTGCCCTACCCCACCCTGCCCCTCCTTCCTCACCGACTGACTTCTA[C>G]CAGCAAATCTTCTTCCAGTTTTCTCTGCTCCTCTTGGGAGAGGGTCTCACCTTTCTTTGC-3'
Protein context (NP_005189.2, residues 330-350): EQRKLEEDLL[Val340Leu]EVSRYALASH